The following is an entry in ClinVar:

ClinVar aggregate classification (germline): Likely pathogenic (1 of 4 stars; one submission).

Conditions:
Autosomal recessive limb-girdle muscular dystrophy type 2J (LGMDR10). Also called: Limb-girdle muscular dystrophy, type 2J; MUSCULAR DYSTROPHY, LIMB-GIRDLE, AUTOSOMAL RECESSIVE 10. Identifiers: Orphanet 140922, MedGen C1837342, MONDO:0012127, OMIM 608807.
Dilated cardiomyopathy 1G (CMD1G). Identifiers: Orphanet 154, MedGen C1858763, MONDO:0011400, OMIM 604145.

Submission:

Labcorp Genetics (formerly Invitae), Labcorp
Classification: Likely pathogenic for Dilated cardiomyopathy 1G; Autosomal recessive limb-girdle muscular dystrophy type 2J. Last evaluated: 2025-07-08. Review status: criteria provided, single submitter. Criteria: Invitae Variant Classification Sherloc (09022015). Collection method: clinical testing. Allele origin: germline.
Comment: This sequence change creates a premature translational stop signal (p.Asp1232Ilefs*3) in the TTN gene. While this is not anticipated to result in nonsense mediated decay, it is expected to create a truncated TTN protein. This variant is not present in population databases (gnomAD no frequency). This variant has not been reported in the literature in individuals affected with TTN-related conditions. This variant is located in the Z band of TTN (PMID: 25589632). Truncating variants in this region have been reported in individuals affected with autosomal recessive centronuclear myopathy (PMID: 33449170, internal data). Truncating variants in this region have also been identified in individuals affected with autosomal dominant dilated cardiomyopathy and/or cardio-related conditions (PMID: 27869827, 32964742, internal data). In summary, the currently available evidence indicates that the variant is pathogenic, but additional data are needed to prove that conclusively. Therefore, this variant has been classified as Likely Pathogenic.

Literature cited by the submitters: PubMed 25589632; PubMed 33449170; PubMed 27869827; PubMed 32964742.

NM_001267550.2(TTN):c.3693del (p.Asp1232fs)

Gene: TTN (titin; minus strand). Cytogenetic location: 2q31.2.
Variant type: Deletion.
Coding change: c.3693del on transcript NM_001267550.2 (MANE Select); coding-DNA position 3693, one base deleted (A; older notation c.3693delA).
Protein change: p.Asp1232fs; shifts the reading frame from aspartic acid 1232.
Molecular consequence: frameshift variant.
Genome position (GRCh38, 1-based): chr2:178,780,036, T deleted on the plus strand (A on the coding strand, the reverse complement: TTN is on the minus strand); the first of 3 consecutive T bases (chr2:178,780,036-178,780,038); deleting any one gives the same sequence. VCF-style (leftmost placement, unchanged base first): chr2-178780035-CT-C. GRCh37 (hg19) VCF-style: chr2-179644762-CT-C.
Other names: c.3693del, p.Asp1232fs (NM_001256850.1, NM_133378.4, NM_133379.5); c.3555del, p.Asp1186fs (NM_003319.4, NM_133432.3, NM_133437.4); short protein forms D1186fs, D1232fs.
Identifiers: ClinVar variation 4785458 (VCV004785458.1).